The following is an entry in ClinVar:

ClinVar aggregate classification (germline): Uncertain significance (1 of 4 stars; one submission).

Allele frequency attached by ClinVar (database versions not stated): gnomAD exomes below 0.00001.
gnomAD v4.1: 2 of 1,613,970 alleles (0.00012%); highest among the groups gnomAD compares: Admixed American, 0.0017%; no homozygotes.

Submission:

Labcorp Genetics (formerly Invitae), Labcorp
Classification: Uncertain significance. Last evaluated: 2022-09-07. Review status: criteria provided, single submitter. Criteria: Invitae Variant Classification Sherloc (09022015). Collection method: clinical testing. Allele origin: germline.
Comment: This sequence change replaces serine, which is neutral and polar, with asparagine, which is neutral and polar, at codon 2717 of the FAT4 protein (p.Ser2717Asn). This variant is present in population databases (no rsID available, gnomAD 0.003%). This variant has not been reported in the literature in individuals affected with FAT4-related conditions. ClinVar contains an entry for this variant (Variation ID: 1414419). Advanced modeling of protein sequence and biophysical properties (such as structural, functional, and spatial information, amino acid conservation, physicochemical variation, residue mobility, and thermodynamic stability) performed at Invitae indicates that this missense variant is not expected to disrupt FAT4 protein function. In summary, the available evidence is currently insufficient to determine the role of this variant in disease. Therefore, it has been classified as a Variant of Uncertain Significance.

NM_001291303.3(FAT4):c.8156G>A (p.Ser2719Asn)

Gene: FAT4 (FAT atypical cadherin 4; plus strand). Cytogenetic location: 4q28.1.
Variant type: single nucleotide variant.
Coding change: c.8156G>A on transcript NM_001291303.3 (MANE Select); coding-DNA position 8156, G replaced by A.
Protein change: p.Ser2719Asn; replaces serine 2719 with asparagine.
Molecular consequence: missense variant.
Genome position (GRCh38, 1-based): chr4:125,449,166, G>A. VCF-style: chr4-125449166-G-A. GRCh37 (hg19) VCF-style: chr4-126370321-G-A.
Other names: c.8156G>A, p.Ser2719Asn (NM_001291285.3); c.8150G>A, p.Ser2717Asn (NM_024582.6); short protein forms S2717N, S2719N.
Identifiers: ClinVar variation 1414419 (VCV001414419.6), dbSNP rs1415356153, ClinGen allele CA358145308.